The following is an entry in ClinVar:

ClinVar aggregate classification (germline): Uncertain significance (1 of 4 stars; one submission).

gnomAD v4.1: 2 of 1,614,050 alleles (0.00012%); highest among the groups gnomAD compares: African/African-American, 0.0013%; no homozygotes.

Submission:

CeGaT Center for Human Genetics Tuebingen
Classification: Uncertain significance. Last evaluated: 2025-04-01. Review status: criteria provided, single submitter. Criteria: CeGaT Center For Human Genetics Tuebingen Variant Classification Criteria Version 2. Collection method: clinical testing. Allele origin: germline. Affected: yes. Observed: 1 variant allele.
Comment: CTNNBL1: PM2, BP4

NM_030877.5(CTNNBL1):c.1426G>A (p.Asp476Asn)

Gene: CTNNBL1 (catenin beta like 1; plus strand). Cytogenetic location: 20q11.23.
Variant type: single nucleotide variant.
Coding change: c.1426G>A on transcript NM_030877.5 (MANE Select); coding-DNA position 1426, G replaced by A.
Protein change: p.Asp476Asn; replaces aspartic acid 476 with asparagine.
Molecular consequence: missense variant.
Genome position (GRCh38, 1-based): chr20:37,859,932, G>A. VCF-style: chr20-37859932-G-A. GRCh37 (hg19) VCF-style: chr20-36488334-G-A.
Other names: c.1345G>A, p.Asp449Asn (NM_001281495.2); short protein forms D449N, D476N.
Identifiers: ClinVar variation 3898425 (VCV003898425.7).
Genomic context (GRCh38, chr20:37,859,932, plus strand): 5'-TATTCCTAAACGTTCATTTGTTTCTAGGACATGGTCCGGCGAGGAGAGATCATCGACAAT[G>A]ACACCGAGGAGGAGTTCTACCTCCGGCGCCTGGATGCGGGGCTCTTTGTTCTCCAGCACA-3'
Protein context (NP_110517.2, residues 466-486): MVRRGEIIDN[Asp476Asn]TEEEFYLRRL